The following is an entry in ClinVar:

ClinVar aggregate classification (germline): Uncertain significance. Review status: criteria provided, multiple submitters, no conflicts (2 of 4 stars). 2 submissions from 2 submitters: Uncertain significance (2). Last evaluated 2025-04-01.

Allele frequency attached by ClinVar (database versions not stated): gnomAD 0.00001; gnomAD exomes 0.00002.
gnomAD v4.1: 27 of 1,582,378 alleles (0.0017%); highest among the groups gnomAD compares: East Asian, 0.0089%; no homozygotes.

Submissions (2):

Ambry Genetics
Classification: Uncertain significance. Last evaluated: 2025-04-01. Review status: criteria provided, single submitter. Criteria: Ambry Variant Classification Scheme 2023. Collection method: clinical testing. Allele origin: germline.

Labcorp Genetics (formerly Invitae), Labcorp
Classification: Uncertain significance. Last evaluated: 2025-01-23. Review status: criteria provided, single submitter. Criteria: Invitae Variant Classification Sherloc (09022015). Collection method: clinical testing. Allele origin: germline.
Comment: This sequence change replaces asparagine, which is neutral and polar, with serine, which is neutral and polar, at codon 496 of the MICAL1 protein (p.Asn496Ser). This variant is present in population databases (rs9374088, gnomAD 0.02%). This variant has not been reported in the literature in individuals affected with MICAL1-related conditions. ClinVar contains an entry for this variant (Variation ID: 2419493). An algorithm developed to predict the effect of missense changes on protein structure and function outputs the following: PolyPhen-2: "Benign". The serine amino acid residue is found in multiple mammalian species, which suggests that this missense change does not adversely affect protein function. In summary, the available evidence is currently insufficient to determine the role of this variant in disease. Therefore, it has been classified as a Variant of Uncertain Significance.

NM_022765.4(MICAL1):c.1430A>G (p.Asn477Ser)

Gene: MICAL1 (microtubule associated monooxygenase, calponin and LIM domain containing 1; minus strand). Cytogenetic location: 6q21.
Variant type: single nucleotide variant.
Coding change: c.1430A>G on transcript NM_022765.4 (MANE Select); coding-DNA position 1430, A replaced by G.
Protein change: p.Asn477Ser; replaces asparagine 477 with serine.
Molecular consequence: missense variant.
Genome position (GRCh38, 1-based): chr6:109,449,661, T>C on the plus strand (A>G on the coding strand, the complement: MICAL1 is on the minus strand). VCF-style: chr6-109449661-T-C. GRCh37 (hg19) VCF-style: chr6-109770864-T-C.
Other names: c.1430A>G (NM_022765.3); c.1172A>G, p.Asn391Ser (NM_001159291.2); c.1487A>G, p.Asn496Ser (NM_001286613.2); short protein forms N391S, N477S, N496S.
Identifiers: ClinVar variation 2419493 (VCV002419493.7), dbSNP rs9374088, ClinGen allele CA145120089.